The following is an entry in ClinVar:

NM_017849.4(TMEM127):c.140C>T (p.Ala47Val)

Gene: TMEM127 (transmembrane protein 127; minus strand). Cytogenetic location: 2q11.2.
Variant type: single nucleotide variant.
Coding change: c.140C>T on transcript NM_017849.4 (MANE Select); coding-DNA position 140, C replaced by T.
Protein change: p.Ala47Val; replaces alanine 47 with valine.
Molecular consequence: missense variant.
Genome position (GRCh38, 1-based): chr2:96,265,242, G>A on the plus strand (C>T on the coding strand, the complement: TMEM127 is on the minus strand). VCF-style: chr2-96265242-G-A. GRCh37 (hg19) VCF-style: chr2-96930980-G-A.
Other names: c.140C>T, p.Ala47Val (NM_001193304.3); short protein forms A47V.
Identifiers: ClinVar variation 1771989 (VCV001771989.8), dbSNP rs1022275292, ClinGen allele CA52419080.

ClinVar aggregate classification (germline): Uncertain significance. Review status: criteria provided, multiple submitters, no conflicts (2 of 4 stars). 2 submissions from 2 submitters: Uncertain significance (2). Last evaluated 2025-08-18.

Conditions:
Hereditary cancer-predisposing syndrome. Also called: Tumor predisposition; Hereditary Cancer Syndrome; Hereditary neoplastic syndrome; Neoplastic Syndromes, Hereditary. Identifiers: Orphanet 140162, MedGen C0027672, MeSH D009386, MONDO:0015356.
Hereditary pheochromocytoma and paraganglioma. Also called: Hereditary paragangliomas and pheochromocytomas; Hereditary Paraganglioma-Pheochromocytoma Syndromes; Hereditary pheochromocytoma-paraganglioma. Identifiers: Orphanet 29072, MedGen C4274332, MONDO:0017366.

Allele frequency attached by ClinVar (database versions not stated): gnomAD exomes below 0.00001.
gnomAD v4.1: 4 of 1,595,934 alleles (0.00025%); highest among the groups gnomAD compares: Non-Finnish European, 0.00034%; no homozygotes.

Submissions (2):

Labcorp Genetics (formerly Invitae), Labcorp
Classification: Uncertain significance for Hereditary pheochromocytoma and paraganglioma. Last evaluated: 2025-08-18. Review status: criteria provided, single submitter. Criteria: Invitae Variant Classification Sherloc (09022015). Collection method: clinical testing. Allele origin: germline.
Comment: This sequence change replaces alanine, which is neutral and non-polar, with valine, which is neutral and non-polar, at codon 47 of the TMEM127 protein (p.Ala47Val). This variant is not present in population databases (gnomAD no frequency). This variant has not been reported in the literature in individuals affected with TMEM127-related conditions. ClinVar contains an entry for this variant (Variation ID: 1771989). An algorithm developed to predict the effect of missense changes on protein structure and function (PolyPhen-2) suggests that this variant is likely to be tolerated. In summary, the available evidence is currently insufficient to determine the role of this variant in disease. Therefore, it has been classified as a Variant of Uncertain Significance.

Ambry Genetics
Classification: Uncertain significance for Hereditary cancer-predisposing syndrome. Last evaluated: 2024-12-12. Review status: criteria provided, single submitter. Criteria: Ambry Variant Classification Scheme 2023. Collection method: clinical testing. Allele origin: germline.
Comment: The p.A47V variant (also known as c.140C>T), located in coding exon 1 of the TMEM127 gene, results from a C to T substitution at nucleotide position 140. The alanine at codon 47 is replaced by valine, an amino acid with similar properties. This amino acid position is conserved. In addition, this alteration is predicted to be deleterious by in silico analysis. Since supporting evidence is limited at this time, the clinical significance of this alteration remains unclear.